The following is an entry in ClinVar:

NM_152513.4(MEI1):c.303A>G (p.Leu101=)

Gene: MEI1 (meiotic double-stranded break formation protein 1; plus strand). Cytogenetic location: 22q13.2.
Variant type: single nucleotide variant.
Coding change: c.303A>G on transcript NM_152513.4 (MANE Select); coding-DNA position 303, A replaced by G.
Protein change: p.Leu101=; no amino-acid change (leucine 101 retained).
Molecular consequence: synonymous variant.
Genome position (GRCh38, 1-based): chr22:41,705,508, A>G. VCF-style: chr22-41705508-A-G. GRCh37 (hg19) VCF-style: chr22-42101512-A-G.
Identifiers: ClinVar variation 3052881 (VCV003052881.3), dbSNP rs777693156, ClinGen allele CA10259821.

ClinVar aggregate classification (germline): Likely benign. Review status: criteria provided, single submitter (1 of 4 stars). 2 submissions from 2 submitters: Likely benign (1). 1 of the submissions does not count toward it. Last evaluated 2024-08-29.

Conditions:
MEI1-related disorder. Also called: MEI1-related condition.

Allele frequency attached by ClinVar (database versions not stated): ExAC 0.00001; gnomAD exomes 0.00001; gnomAD 0.00002; TOPMed 0.00002.
gnomAD v4.1: 16 of 1,612,772 alleles (0.00099%); highest among the groups gnomAD compares: East Asian, 0.0045%; no homozygotes.

Submissions (2):

Blueprint Genetics
Classification: Likely benign. Last evaluated: 2024-08-29. Review status: criteria provided, single submitter. Criteria: ACMG Guidelines, 2015. Collection method: clinical testing. Allele origin: germline.

PreventionGenetics, part of Exact Sciences
Classification: Likely benign for MEI1-related condition. Last evaluated: 2019-08-13. Review status: no assertion criteria provided. Collection method: clinical testing. Allele origin: germline. Not counted in ClinVar's aggregate classification.
Comment: This variant is classified as likely benign based on ACMG/AMP sequence variant interpretation guidelines (Richards et al. 2015 PMID: 25741868, with internal and published modifications).